The following is an entry in ClinVar:

NM_000426.4(LAMA2):c.9008A>T (p.Asn3003Ile)

Gene: LAMA2 (laminin subunit alpha 2; plus strand). Cytogenetic location: 6q22.33.
Variant type: single nucleotide variant.
Coding change: c.9008A>T on transcript NM_000426.4 (MANE Select); coding-DNA position 9008, A replaced by T.
Protein change: p.Asn3003Ile; replaces asparagine 3003 with isoleucine.
Molecular consequence: missense variant.
Genome position (GRCh38, 1-based): chr6:129,514,392, A>T. VCF-style: chr6-129514392-A-T. GRCh37 (hg19) VCF-style: chr6-129835537-A-T.
Other names: c.8996A>T, p.Asn2999Ile (NM_001079823.2); short protein forms N2999I, N3003I.
Identifiers: ClinVar variation 1419986 (VCV001419986.6), dbSNP rs747619612, ClinGen allele CA365636733.

ClinVar aggregate classification (germline): Uncertain significance (1 of 4 stars; one submission).

Conditions:
LAMA2-related muscular dystrophy (LAMA2-RD). Also called: Laminin alpha 2-related dystrophy. Identifiers: MedGen C5679788, MONDO:0100228.

Submission:

Labcorp Genetics (formerly Invitae), Labcorp
Classification: Uncertain significance for LAMA2-related muscular dystrophy. Last evaluated: 2021-09-02. Review status: criteria provided, single submitter. Criteria: Invitae Variant Classification Sherloc (09022015). Collection method: clinical testing. Allele origin: germline.
Comment: In summary, the available evidence is currently insufficient to determine the role of this variant in disease. Therefore, it has been classified as a Variant of Uncertain Significance. This sequence change replaces asparagine with isoleucine at codon 3003 of the LAMA2 protein (p.Asn3003Ile). The asparagine residue is moderately conserved and there is a large physicochemical difference between asparagine and isoleucine. This variant is not present in population databases (ExAC no frequency). This variant has not been reported in the literature in individuals affected with LAMA2-related conditions. Algorithms developed to predict the effect of missense changes on protein structure and function are either unavailable or do not agree on the potential impact of this missense change (SIFT: "Deleterious"; PolyPhen-2: "Probably Damaging"; Align-GVGD: "Class C0").